The following is an entry in ClinVar:

NM_000170.3(GLDC):c.1194C>G (p.Tyr398Ter)

Gene: GLDC (glycine decarboxylase; minus strand). Cytogenetic location: 9p24.1.
Variant type: single nucleotide variant.
Coding change: c.1194C>G on transcript NM_000170.3 (MANE Select); coding-DNA position 1194, C replaced by G.
Protein change: p.Tyr398Ter; replaces tyrosine 398 with a stop codon.
Molecular consequence: nonsense.
Genome position (GRCh38, 1-based): chr9:6,595,081, G>C on the plus strand (C>G on the coding strand, the complement: GLDC is on the minus strand). VCF-style: chr9-6595081-G-C. GRCh37 (hg19) VCF-style: chr9-6595081-G-C.
Other names: short protein forms Y398*.
Identifiers: ClinVar variation 2806307 (VCV002806307.4), dbSNP rs1226098656, ClinGen allele CA372894335.

ClinVar aggregate classification (germline): Pathogenic/Likely pathogenic. Review status: criteria provided, multiple submitters, no conflicts (2 of 4 stars). 2 submissions from 2 submitters: Pathogenic (1); Likely pathogenic (1). Last evaluated 2024-03-27.

Conditions:
Glycine encephalopathy 1 (GCE1). Identifiers: MedGen CN376801, MONDO:0958179, OMIM 605899.
Glycine encephalopathy. Also called: Nonketotic hyperglycinemia; Non-ketotic hyperglycinemia. Identifiers: Orphanet 407, MedGen C0751748, MONDO:0011612, HP:0008288.

Submissions (2):

Fulgent Genetics
Classification: Likely pathogenic for Glycine encephalopathy 1. Last evaluated: 2024-03-27. Review status: criteria provided, single submitter. Criteria: ACMG Guidelines, 2015. Collection method: clinical testing. Allele origin: germline.

Labcorp Genetics (formerly Invitae), Labcorp
Classification: Pathogenic for Glycine encephalopathy. Last evaluated: 2023-03-03. Review status: criteria provided, single submitter. Criteria: Invitae Variant Classification Sherloc (09022015). Collection method: clinical testing. Allele origin: germline.
Comment: This sequence change creates a premature translational stop signal (p.Tyr398*) in the GLDC gene. It is expected to result in an absent or disrupted protein product. Loss-of-function variants in GLDC are known to be pathogenic (PMID: 16601880). This variant is not present in population databases (gnomAD no frequency). This variant has not been reported in the literature in individuals affected with GLDC-related conditions. For these reasons, this variant has been classified as Pathogenic.

Literature cited by the submitters: PubMed 16601880 (cited by Labcorp Genetics (formerly Invitae), Labcorp).